The following is an entry in ClinVar:

NM_000277.3(PAH):c.1024G>A (p.Ala342Thr)

Gene: PAH (phenylalanine hydroxylase; minus strand). Cytogenetic location: 12q23.2.
Variant type: single nucleotide variant.
Coding change: c.1024G>A on transcript NM_000277.3 (MANE Select); coding-DNA position 1024, G replaced by A.
Protein change: p.Ala342Thr; replaces alanine 342 with threonine.
Molecular consequence: missense variant.
Genome position (GRCh38, 1-based): chr12:102,844,377, C>T on the plus strand (G>A on the coding strand, the complement: PAH is on the minus strand). VCF-style: chr12-102844377-C-T. GRCh37 (hg19) VCF-style: chr12-103238155-C-T.
Other names: c.1024G>A, p.Ala342Thr (NM_001354304.2); short protein forms A342T.
Identifiers: ClinVar variation 102473 (VCV000102473.10), dbSNP rs62507282, ClinGen allele CA229276.
Genomic context (GRCh38, chr12:102,844,377, plus strand): 5'-GTTCCTGTGAAGGTCATACCTGTAATTCACCAAAGGATGACAGGAGCCCAGCACCATATG[C>T]CTTTATGGAGTCTCCTTGTTTGCAGAGCCCAAACTCCACAGTAAACCAGTAAATCTGGAA-3'
Protein context (NP_000268.1, residues 332-352): GLCKQGDSIK[Ala342Thr]YGAGLLSSFG

ClinVar aggregate classification (germline): Pathogenic/Likely pathogenic. Review status: criteria provided, multiple submitters, no conflicts (2 of 4 stars). 3 submissions from 3 submitters: Pathogenic (1); Likely pathogenic (1). 1 of the submissions does not count toward it. Last evaluated 2024-06-10.

Conditions:
Phenylketonuria (PKU). Also called: Phenylketonuria (PKU); FOLLING DISEASE; OLIGOPHRENIA PHENYLPYRUVICA; Phenylketonurias. Identifiers: Orphanet 716, MedGen C0031485, MONDO:0009861, OMIM 261600. Disease mechanism: loss of function.

Submissions (3):

Labcorp Genetics (formerly Invitae), Labcorp
Classification: Pathogenic for Phenylketonuria. Last evaluated: 2024-06-10. Review status: criteria provided, single submitter. Criteria: Invitae Variant Classification Sherloc (09022015). Collection method: clinical testing. Allele origin: germline.
Comment: This sequence change replaces alanine, which is neutral and non-polar, with threonine, which is neutral and polar, at codon 342 of the PAH protein (p.Ala342Thr). This variant is not present in population databases (gnomAD no frequency). This missense change has been observed in individual(s) with phenylketonuria (PMID: 23932990, 30050108, 32668217; BIOPKU). ClinVar contains an entry for this variant (Variation ID: 102473). Advanced modeling of protein sequence and biophysical properties (such as structural, functional, and spatial information, amino acid conservation, physicochemical variation, residue mobility, and thermodynamic stability) performed at Invitae indicates that this missense variant is expected to disrupt PAH protein function with a positive predictive value of 80%. Experimental studies have shown that this missense change affects PAH function (PMID: 17924342). For these reasons, this variant has been classified as Pathogenic.

New York Genome Center
Classification: Likely pathogenic for Phenylketonuria. Last evaluated: 2020-05-07. Review status: criteria provided, single submitter. Criteria: NYGC Assertion Criteria 2020. Collection method: clinical testing. Allele origin: germline. Observed: 1 heterozygote. Study: CSER-NYCKidSeq.

DeBelle Laboratory for Biochemical Genetics, MUHC/MCH RESEARCH INSTITUTE
No classification provided. Review status: no classification provided. Collection method: not provided. Allele origin: not provided. Not counted in ClinVar's aggregate classification.

Literature cited by the submitters: PubMed 23932990 (cited by Labcorp Genetics (formerly Invitae), Labcorp); PubMed 30050108 (cited by Labcorp Genetics (formerly Invitae), Labcorp); PubMed 32668217 (cited by Labcorp Genetics (formerly Invitae), Labcorp); PubMed 17924342 (cited by Labcorp Genetics (formerly Invitae), Labcorp).